The following is an entry in ClinVar:

NM_000179.3(MSH6):c.193T>C (p.Ser65Pro)

Gene: MSH6 (mutS homolog 6; plus strand). Cytogenetic location: 2p16.3.
Variant type: single nucleotide variant.
Coding change: c.193T>C on transcript NM_000179.3 (MANE Select); coding-DNA position 193, T replaced by C.
Protein change: p.Ser65Pro; replaces serine 65 with proline.
Molecular consequence: missense variant. On other transcripts: 5 prime UTR variant (1).
Genome position (GRCh38, 1-based): chr2:47,783,426, T>C. VCF-style: chr2-47783426-T-C. GRCh37 (hg19) VCF-style: chr2-48010565-T-C.
Other names: c.193T>C, p.Ser65Pro (NM_001281492.2); c.-544T>C (NM_001281493.2); c.193T>C (NM_000179.2); short protein forms S65P.
Identifiers: ClinVar variation 1364992 (VCV001364992.10), dbSNP rs1553408350, ClinGen allele CA346735028.

ClinVar aggregate classification (germline): Uncertain significance. Review status: criteria provided, multiple submitters, no conflicts (2 of 4 stars). 2 submissions from 2 submitters: Uncertain significance (2). Last evaluated 2023-12-25.

Conditions:
Hereditary nonpolyposis colorectal neoplasms. Identifiers: MedGen C0009405, MeSH D003123.
Hereditary cancer-predisposing syndrome. Also called: Neoplastic Syndromes, Hereditary; Tumor predisposition; Hereditary neoplastic syndrome; Hereditary Cancer Syndrome. Identifiers: Orphanet 140162, MedGen C0027672, MeSH D009386, MONDO:0015356.

Submissions (2):

Ambry Genetics
Classification: Uncertain significance for Hereditary cancer-predisposing syndrome. Last evaluated: 2023-12-25. Review status: criteria provided, single submitter. Criteria: Ambry Variant Classification Scheme 2023. Collection method: clinical testing. Allele origin: germline.
Comment: The p.S65P variant (also known as c.193T>C), located in coding exon 1 of the MSH6 gene, results from a T to C substitution at nucleotide position 193. The serine at codon 65 is replaced by proline, an amino acid with similar properties. This amino acid position is conserved. In addition, this alteration is predicted to be tolerated by in silico analysis. Since supporting evidence is limited at this time, the clinical significance of this alteration remains unclear.

Labcorp Genetics (formerly Invitae), Labcorp
Classification: Uncertain significance for Hereditary nonpolyposis colorectal neoplasms. Last evaluated: 2020-11-12. Review status: criteria provided, single submitter. Criteria: Invitae Variant Classification Sherloc (09022015). Collection method: clinical testing. Allele origin: germline.
Comment: This sequence change replaces serine with proline at codon 65 of the MSH6 protein (p.Ser65Pro). The serine residue is weakly conserved and there is a moderate physicochemical difference between serine and proline. The frequency data for this variant in the population databases is considered unreliable, as metrics indicate insufficient coverage at this position in the ExAC database. This variant has not been reported in the literature in individuals with MSH6-related conditions. Advanced modeling of protein sequence and biophysical properties (such as structural, functional, and spatial information, amino acid conservation, physicochemical variation, residue mobility, and thermodynamic stability) performed at Invitae indicates that this missense variant is not expected to disrupt MSH6 protein function. In summary, the available evidence is currently insufficient to determine the role of this variant in disease. Therefore, it has been classified as a Variant of Uncertain Significance.